The following is an entry in ClinVar:

NM_001382567.1(STIM1):c.1635G>C (p.Arg545Ser)

Gene: STIM1 (stromal interaction molecule 1; plus strand). Cytogenetic location: 11p15.4.
Variant type: single nucleotide variant.
Coding change: c.1635G>C on transcript NM_001382567.1 (MANE Select); coding-DNA position 1635, G replaced by C.
Protein change: p.Arg545Ser; replaces arginine 545 with serine.
Molecular consequence: missense variant. On other transcripts: non-coding transcript variant (3), synonymous variant (2).
Genome position (GRCh38, 1-based): chr11:4,091,282, G>C. VCF-style: chr11-4091282-G-C. GRCh37 (hg19) VCF-style: chr11-4112512-G-C.
Other names: c.1320G>C, p.Arg440Ser (NM_001382576.1, NM_001382577.1, NM_001382575.1); c.1357G>C, p.Gly453Arg (NM_001382578.1, NM_001382579.1); c.1090G>C, p.Gly364Arg (NM_001382580.1); c.1053G>C, p.Arg351Ser (NM_001382581.1); c.1542G>C, p.Arg514Ser (NM_003156.4); c.1860G>C, p.Gly620= (NM_001277961.3); c.1579G>C, p.Gly527Arg (NM_001277962.2); c.1638G>C, p.Gly546= (NM_001382566.1); and 4 more; short protein forms G364R, G453R, G527R, R351S, R354S, R438S, R440S, R469S.
Identifiers: ClinVar variation 3389617 (VCV003389617.14).
Genomic context (GRCh38, chr11:4,091,282, plus strand): 5'-TTCCCCTATCACCTCATCCAATATATGTCCCTTTCTTCCTCTCTGCCCCATGTCTTGCAG[G>C]GATTTGACCCATTCCGATTCGGAGTCCTCCCTCCACATGAGTGACCGCCAGCGTGTGGCC-3'
Protein context (NP_001369496.1, residues 535-555): TEPQHGLGSQ[Arg545Ser]DLTHSDSESS

ClinVar aggregate classification (germline): Uncertain significance (1 of 4 stars; one submission).

Submission:

CeGaT Center for Human Genetics Tuebingen
Classification: Uncertain significance. Last evaluated: 2024-09-01. Review status: criteria provided, single submitter. Criteria: CeGaT Center For Human Genetics Tuebingen Variant Classification Criteria Version 2. Collection method: clinical testing. Allele origin: germline. Affected: yes. Observed: 1 variant allele.
Comment: STIM1: PM2, BP4